The following is an entry in ClinVar:

NM_000078.3(CETP):c.267C>G (p.Ser89Arg)

Gene: CETP (cholesteryl ester transfer protein; plus strand). Cytogenetic location: 16q13.
Variant type: single nucleotide variant.
Coding change: c.267C>G on transcript NM_000078.3 (MANE Select); coding-DNA position 267, C replaced by G.
Protein change: p.Ser89Arg; replaces serine 89 with arginine.
Molecular consequence: missense variant.
Genome position (GRCh38, 1-based): chr16:56,969,419, C>G. VCF-style: chr16-56969419-C-G. GRCh37 (hg19) VCF-style: chr16-57003331-C-G.
Other names: c.267C>G, p.Ser89Arg (NM_001286085.2); short protein forms S89R.
Identifiers: ClinVar variation 4703207 (VCV004703207.1).
Genomic context (GRCh38, chr16:56,969,419, plus strand): 5'-TCCTTCCTCACTTCCATTCCTTCCCAGCATCCAGATCAGCCACTTGTCCATCGCCAGCAG[C>G]CAGGTGGAGCTGGTGGAAGCCAAGTCCATTGATGTCTCCATTCAGAACGTGTCTGTGGTC-3'
Protein context (NP_000069.2, residues 79-99): IQISHLSIAS[Ser89Arg]QVELVEAKSI

ClinVar aggregate classification (germline): Uncertain significance (1 of 4 stars; one submission).

gnomAD v4.1: 3 of 1,614,156 alleles (0.00019%); highest among the groups gnomAD compares: Non-Finnish European, 0.00025%; no homozygotes.

Submission:

Labcorp Genetics (formerly Invitae), Labcorp
Classification: Uncertain significance. Last evaluated: 2025-06-22. Review status: criteria provided, single submitter. Criteria: Invitae Variant Classification Sherloc (09022015). Collection method: clinical testing. Allele origin: germline.
Comment: This sequence change replaces serine, which is neutral and polar, with arginine, which is basic and polar, at codon 89 of the CETP protein (p.Ser89Arg). This variant is not present in population databases (gnomAD no frequency). This variant has not been reported in the literature in individuals affected with CETP-related conditions. Invitae Evidence Modeling of protein sequence and biophysical properties (such as structural, functional, and spatial information, amino acid conservation, physicochemical variation, residue mobility, and thermodynamic stability) indicates that this missense variant is expected to disrupt CETP protein function with a positive predictive value of 80%. In summary, the available evidence is currently insufficient to determine the role of this variant in disease. Therefore, it has been classified as a Variant of Uncertain Significance.